The following is an entry in ClinVar:

NM_006214.4(PHYH):c.692A>G (p.Lys231Arg)

Gene: PHYH (phytanoyl-CoA 2-hydroxylase; minus strand). Cytogenetic location: 10p13.
Variant type: single nucleotide variant.
Coding change: c.692A>G on transcript NM_006214.4 (MANE Select); coding-DNA position 692, A replaced by G.
Protein change: p.Lys231Arg; replaces lysine 231 with arginine.
Molecular consequence: missense variant.
Genome position (GRCh38, 1-based): chr10:13,283,826, T>C on the plus strand (A>G on the coding strand, the complement: PHYH is on the minus strand). VCF-style: chr10-13283826-T-C. GRCh37 (hg19) VCF-style: chr10-13325826-T-C.
Other names: c.392A>G, p.Lys131Arg (NM_001037537.2, NM_001323080.2); c.698A>G, p.Lys233Arg (NM_001323082.2); c.428A>G, p.Lys143Arg (NM_001323083.2); c.398A>G, p.Lys133Arg (NM_001323084.2); c.692A>G (NM_006214.3); short protein forms K143R, K131R, K231R, K133R, K233R.
Identifiers: ClinVar variation 1919415 (VCV001919415.6), dbSNP rs749786269, ClinGen allele CA5412255.

ClinVar aggregate classification (germline): Uncertain significance. Review status: criteria provided, multiple submitters, no conflicts (2 of 4 stars). 2 submissions from 2 submitters: Uncertain significance (2). Last evaluated 2025-06-06.

Conditions:
Inborn genetic diseases. Identifiers: MedGen C0950123, MeSH D030342.

Allele frequency attached by ClinVar (database versions not stated): ExAC 0.00001; gnomAD exomes 0.00001.
gnomAD v4.1: 4 of 1,613,996 alleles (0.00025%); highest among the groups gnomAD compares: Admixed American, 0.0033%; no homozygotes.

Submissions (2):

Ambry Genetics
Classification: Uncertain significance for Inborn genetic diseases. Last evaluated: 2025-06-06. Review status: criteria provided, single submitter. Criteria: Ambry Variant Classification Scheme 2023. Collection method: clinical testing. Allele origin: germline.

Labcorp Genetics (formerly Invitae), Labcorp
Classification: Uncertain significance. Last evaluated: 2022-07-27. Review status: criteria provided, single submitter. Criteria: Invitae Variant Classification Sherloc (09022015). Collection method: clinical testing. Allele origin: germline.
Comment: In summary, the available evidence is currently insufficient to determine the role of this variant in disease. Therefore, it has been classified as a Variant of Uncertain Significance. Algorithms developed to predict the effect of missense changes on protein structure and function (SIFT, PolyPhen-2, Align-GVGD) all suggest that this variant is likely to be tolerated. This variant has not been reported in the literature in individuals affected with PHYH-related conditions. This variant is present in population databases (rs749786269, gnomAD 0.01%). This sequence change replaces lysine, which is basic and polar, with arginine, which is basic and polar, at codon 231 of the PHYH protein (p.Lys231Arg).